The following is an entry in ClinVar:

ClinVar aggregate classification (germline): Benign. Review status: criteria provided, multiple submitters, no conflicts (2 of 4 stars). 3 submissions from 3 submitters: Benign (2). 1 of the submissions does not count toward it. Last evaluated 2019-12-31.

Conditions:
XIRP1-related disorder. Also called: XIRP1-related condition.

Allele frequency attached by ClinVar (database versions not stated): 1000 Genomes Project 0.01897; TOPMed 0.02010; 1000 Genomes Project 30x 0.02061; ESP Exome Variant Server 0.02137.

Submissions (3):

Labcorp Genetics (formerly Invitae), Labcorp
Classification: Benign. Last evaluated: 2019-12-31. Review status: criteria provided, single submitter. Criteria: Invitae Variant Classification Sherloc (09022015). Collection method: clinical testing. Allele origin: germline.

Breakthrough Genomics
Classification: Benign. Review status: criteria provided, single submitter. Criteria: ACMG Guidelines, 2015. Collection method: not provided. Allele origin: germline. Inheritance: Unknown mechanism. Affected: yes.

PreventionGenetics, part of Exact Sciences
Classification: Benign for XIRP1-related condition. Last evaluated: 2019-02-21. Review status: no assertion criteria provided. Collection method: clinical testing. Allele origin: germline. Not counted in ClinVar's aggregate classification.
Comment: This variant is classified as benign based on ACMG/AMP sequence variant interpretation guidelines (Richards et al. 2015 PMID: 25741868, with internal and published modifications).

NM_194293.4(XIRP1):c.2326C>T (p.Arg776Trp)

Gene: XIRP1 (xin actin binding repeat containing 1; minus strand). Cytogenetic location: 3p22.2.
Variant type: single nucleotide variant.
Coding change: c.2326C>T on transcript NM_194293.4 (MANE Select); coding-DNA position 2326, C replaced by T.
Protein change: p.Arg776Trp; replaces arginine 776 with tryptophan.
Molecular consequence: missense variant. On other transcripts: intron variant (1).
Genome position (GRCh38, 1-based): chr3:39,187,120, G>A on the plus strand (C>T on the coding strand, the complement: XIRP1 is on the minus strand). VCF-style: chr3-39187120-G-A. GRCh37 (hg19) VCF-style: chr3-39228611-G-A.
Other names: c.2326C>T, p.Arg776Trp (NM_001198621.4); c.-167-1459C>T (NM_001351377.2); short protein forms R776W.
Identifiers: ClinVar variation 786010 (VCV000786010.7), dbSNP rs9823779, ClinGen allele CA2326282.